The following is an entry in ClinVar:

NM_000059.4(BRCA2):c.9465del (p.Gln3156fs)

Gene: BRCA2 (BRCA2 DNA repair associated; plus strand). Cytogenetic location: 13q13.1.
Variant type: Deletion.
Coding change: c.9465del on transcript NM_000059.4 (MANE Select); coding-DNA position 9465, one base deleted (T; older notation c.9465delT).
Protein change: p.Gln3156fs; shifts the reading frame from glutamine 3156.
Molecular consequence: frameshift variant.
Genome position (GRCh38, 1-based): chr13:32,394,897, T deleted; the last of 3 consecutive T bases (chr13:32,394,895-32,394,897); deleting any one gives the same sequence. VCF-style (leftmost placement, unchanged base first): chr13-32394894-CT-C. GRCh37 (hg19) VCF-style: chr13-32969031-CT-C.
Other names: short protein forms Q3156fs.
Identifiers: ClinVar variation 1453594 (VCV001453594.6), dbSNP rs1296301971, ClinGen allele CA609093423.

ClinVar aggregate classification (germline): Pathogenic (1 of 4 stars; one submission).

Conditions:
Hereditary breast ovarian cancer syndrome. Also called: Hereditary breast and ovarian cancer; Hereditary breast and ovarian cancer syndrome (HBOC); Breast and ovarian cancer; Hereditary breast and ovarian cancer syndrome; Hereditary breast and/or ovarian cancer syndrome; BRCA1- and BRCA2-Associated Hereditary Breast and Ovarian Cancer. Identifiers: Orphanet 145, MedGen C0677776, MeSH D061325, MONDO:0003582. Disease mechanism: loss of function.

Submission:

Labcorp Genetics (formerly Invitae), Labcorp
Classification: Pathogenic for Hereditary breast ovarian cancer syndrome. Last evaluated: 2021-12-24. Review status: criteria provided, single submitter. Criteria: Invitae Variant Classification Sherloc (09022015). Collection method: clinical testing. Allele origin: germline.
Comment: For these reasons, this variant has been classified as Pathogenic. This sequence change creates a premature translational stop signal (p.Gln3156Lysfs*7) in the BRCA2 gene. It is expected to result in an absent or disrupted protein product. Loss-of-function variants in BRCA2 are known to be pathogenic (PMID: 20104584). This variant is present in population databases (no rsID available, gnomAD 0.06%). This variant has not been reported in the literature in individuals affected with BRCA2-related conditions.

Literature cited by the submitters: PubMed 20104584.